The following is an entry in ClinVar:

ClinVar aggregate classification (germline): Uncertain significance (1 of 4 stars; one submission).

Conditions:
Hereditary cancer-predisposing syndrome. Also called: Tumor predisposition; Hereditary Cancer Syndrome; Hereditary neoplastic syndrome; Neoplastic Syndromes, Hereditary. Identifiers: Orphanet 140162, MedGen C0027672, MeSH D009386, MONDO:0015356.

gnomAD v4.1: 1 of 1,614,068 alleles (0.000062%); highest among the groups gnomAD compares: South Asian, 0.0011%; no homozygotes.

Submission:

Ambry Genetics
Classification: Uncertain significance for Hereditary cancer-predisposing syndrome. Last evaluated: 2024-04-18. Review status: criteria provided, single submitter. Criteria: Ambry Variant Classification Scheme 2023. Collection method: clinical testing. Allele origin: germline.
Comment: The p.P2276T variant (also known as c.6826C>A), located in coding exon 15 of the APC gene, results from a C to A substitution at nucleotide position 6826. The proline at codon 2276 is replaced by threonine, an amino acid with highly similar properties. This amino acid position is conserved. In addition, in silico predictors for this gene do not accurately predict pathogenicity. Based on the available evidence, the clinical significance of this variant remains unclear.

NM_000038.6(APC):c.6826C>A (p.Pro2276Thr)

Gene: APC (APC regulator of Wnt signaling pathway; plus strand). Cytogenetic location: 5q22.2.
Variant type: single nucleotide variant.
Coding change: c.6826C>A on transcript NM_000038.6 (MANE Select); coding-DNA position 6826, C replaced by A.
Protein change: p.Pro2276Thr; replaces proline 2276 with threonine.
Molecular consequence: missense variant. On other transcripts: non-coding transcript variant (2).
Genome position (GRCh38, 1-based): chr5:112,842,420, C>A. VCF-style: chr5-112842420-C-A. GRCh37 (hg19) VCF-style: chr5-112178117-C-A.
Other names: c.6523C>A, p.Pro2175Thr (NM_001407460.1, NM_001354903.2, NM_001407458.1 and 1 more transcripts); c.6439C>A, p.Pro2147Thr (NM_001407467.1, NM_001407469.1); c.5674C>A, p.Pro1892Thr (NM_001407471.1, NM_001407472.1); c.5977C>A, p.Pro1993Thr (NM_001407470.1, NM_001354906.2); c.6826C>A, p.Pro2276Thr (NM_001127510.3, NM_001354895.2, NM_001407450.1); c.6772C>A, p.Pro2258Thr (NM_001127511.3); c.6880C>A, p.Pro2294Thr (NM_001354896.2, NM_001407447.1, NM_001407448.1 and 1 more transcripts); c.6856C>A, p.Pro2286Thr (NM_001354897.2); and 11 more; short protein forms P2193T, P2248T, P2251T, P1892T, P2147T, P2185T, P2266T, P2304T.
Identifiers: ClinVar variation 3304870 (VCV003304870.1).